The following is an entry in ClinVar:

NM_000388.4(CASR):c.2812C>A (p.Leu938Ile)

Gene: CASR (calcium sensing receptor; plus strand). Cytogenetic location: 3q21.1.
Variant type: single nucleotide variant.
Coding change: c.2812C>A on transcript NM_000388.4 (MANE Select); coding-DNA position 2812, C replaced by A.
Protein change: p.Leu938Ile; replaces leucine 938 with isoleucine.
Molecular consequence: missense variant.
Genome position (GRCh38, 1-based): chr3:122,284,766, C>A. VCF-style: chr3-122284766-C-A. GRCh37 (hg19) VCF-style: chr3-122003613-C-A.
Other names: c.2842C>A, p.Leu948Ile (NM_001178065.2); short protein forms L938I, L948I.
Identifiers: ClinVar variation 1006704 (VCV001006704.7), dbSNP rs2074946372, ClinGen allele CA354160821.
Genomic context (GRCh38, chr3:122,284,766, plus strand): 5'-AGCAACAGCGAAGACCCATTCCCACAGCCCGAGAGGCAGAAGCAGCAGCAGCCGCTGGCC[C>A]TAACCCAGCAAGAGCAGCAGCAGCAGCCCCTGACCCTCCCACAGCAGCAACGATCTCAGC-3'
Protein context (NP_000379.3, residues 928-948): ERQKQQQPLA[Leu938Ile]TQQEQQQQPL

ClinVar aggregate classification (germline): Uncertain significance (1 of 4 stars; one submission).

Conditions:
Autosomal dominant hypocalcemia 1 (HYPOC1). Also called: HYPOCALCEMIA, FAMILIAL. Identifiers: MedGen C3715128, MONDO:0011013, OMIM 601198.
Familial hypocalciuric hypercalcemia (FHH). Also called: Familial benign hypercalcemia. Identifiers: Orphanet 405, MedGen C1809471, MONDO:0018458.

Submission:

Labcorp Genetics (formerly Invitae), Labcorp
Classification: Uncertain significance for Familial hypocalciuric hypercalcemia; Autosomal dominant hypocalcemia 1. Last evaluated: 2023-05-11. Review status: criteria provided, single submitter. Criteria: Invitae Variant Classification Sherloc (09022015). Collection method: clinical testing. Allele origin: germline.
Comment: In summary, the available evidence is currently insufficient to determine the role of this variant in disease. Therefore, it has been classified as a Variant of Uncertain Significance. An algorithm developed to predict the effect of missense changes on protein structure and function (PolyPhen-2) suggests that this variant is likely to be tolerated. ClinVar contains an entry for this variant (Variation ID: 1006704). This variant has not been reported in the literature in individuals affected with CASR-related conditions. This variant is not present in population databases (gnomAD no frequency). This sequence change replaces leucine, which is neutral and non-polar, with isoleucine, which is neutral and non-polar, at codon 938 of the CASR protein (p.Leu938Ile).